The following is an entry in ClinVar:

NM_001374828.1(ARID1B):c.2059C>T (p.Gln687Ter)

Gene: ARID1B (AT-rich interaction domain 1B; plus strand). Cytogenetic location: 6q25.3.
Variant type: single nucleotide variant.
Coding change: c.2059C>T on transcript NM_001374828.1 (MANE Select); coding-DNA position 2059, C replaced by T.
Protein change: p.Gln687Ter; replaces glutamine 687 with a stop codon.
Molecular consequence: nonsense.
Genome position (GRCh38, 1-based): chr6:156,901,448, C>T. VCF-style: chr6-156901448-C-T. GRCh37 (hg19) VCF-style: chr6-157222582-C-T.
Other names: c.1810C>T, p.Gln604Ter (NM_001346813.1); c.2098C>T, p.Gln700Ter (NM_001371656.1, NM_001374820.1); c.2059C>T, p.Gln687Ter (NM_017519.3); c.1849C>T, p.Gln617Ter (NM_020732.3); c.1636C>T, p.Gln546Ter (NM_175863.2); short protein forms Q687*, Q700*, Q617*, Q604*, Q546*.
Identifiers: ClinVar variation 2114981 (VCV002114981.4), dbSNP rs1788927433, ClinGen allele CA366380766.

ClinVar aggregate classification (germline): Pathogenic (1 of 4 stars; one submission).

Submission:

Labcorp Genetics (formerly Invitae), Labcorp
Classification: Pathogenic. Last evaluated: 2022-10-14. Review status: criteria provided, single submitter. Criteria: Invitae Variant Classification Sherloc (09022015). Collection method: clinical testing. Allele origin: germline.
Comment: For these reasons, this variant has been classified as Pathogenic. This variant has not been reported in the literature in individuals affected with ARID1B-related conditions. This variant is not present in population databases (gnomAD no frequency). This sequence change creates a premature translational stop signal (p.Gln617*) in the ARID1B gene. It is expected to result in an absent or disrupted protein product. Loss-of-function variants in ARID1B are known to be pathogenic (PMID: 25674384, 30349098).

Literature cited by the submitters: PubMed 25674384; PubMed 30349098.